The following is an entry in ClinVar:

NM_001194998.2(CEP152):c.187G>A (p.Gly63Arg)

Gene: CEP152 (centrosomal protein 152; minus strand). Cytogenetic location: 15q21.1.
Variant type: single nucleotide variant.
Coding change: c.187G>A on transcript NM_001194998.2 (MANE Select); coding-DNA position 187, G replaced by A.
Protein change: p.Gly63Arg; replaces glycine 63 with arginine.
Molecular consequence: missense variant.
Genome position (GRCh38, 1-based): chr15:48,797,952, C>T on the plus strand (G>A on the coding strand, the complement: CEP152 is on the minus strand). VCF-style: chr15-48797952-C-T. GRCh37 (hg19) VCF-style: chr15-49090149-C-T.
Other names: c.187G>A, p.Gly63Arg (NM_014985.4); short protein forms G63R.
Identifiers: ClinVar variation 1400315 (VCV001400315.3), dbSNP rs755442860, ClinGen allele CA7549203.
Genomic context (GRCh38, chr15:48,797,952, plus strand): 5'-AAGAAAAAGACTTATAGAATTGCAATATACAAGTGAAAGTGACTTCAGGTGCTTACTGTC[C>T]GTCTGTGCCATCCTCGCTGCAGTCCGAATACTGGAGCTCTGGAGAGGAGAGGTCGTCATC-3'
Protein context (NP_001181927.1, residues 53-73): YSDCSEDGTD[Gly63Arg]QPHHPEQLEM

ClinVar aggregate classification (germline): Uncertain significance (1 of 4 stars; one submission).

Allele frequency attached by ClinVar (database versions not stated): gnomAD exomes below 0.00001 and 0.00001; ExAC 0.00002.

Submission:

Labcorp Genetics (formerly Invitae), Labcorp
Classification: Uncertain significance. Last evaluated: 2021-10-10. Review status: criteria provided, single submitter. Criteria: Invitae Variant Classification Sherloc (09022015). Collection method: clinical testing. Allele origin: germline.
Comment: This sequence change replaces glycine with arginine at codon 63 of the CEP152 protein (p.Gly63Arg). The glycine residue is weakly conserved and there is a moderate physicochemical difference between glycine and arginine. This variant is present in population databases (rs755442860, ExAC 0.006%). This variant has not been reported in the literature in individuals affected with CEP152-related conditions. Algorithms developed to predict the effect of missense changes on protein structure and function output the following: SIFT: "Tolerated"; PolyPhen-2: "Benign"; Align-GVGD: "Class C0". The arginine amino acid residue is found in multiple mammalian species, which suggests that this missense change does not adversely affect protein function. In summary, the available evidence is currently insufficient to determine the role of this variant in disease. Therefore, it has been classified as a Variant of Uncertain Significance.